The following is an entry in ClinVar:

ClinVar aggregate classification (germline): Uncertain significance. Review status: criteria provided, multiple submitters, no conflicts (2 of 4 stars). 3 submissions from 3 submitters: Uncertain significance (3). Last evaluated 2026-03-25.

Conditions:
Cardiovascular phenotype. Identifiers: MedGen CN230736.
Brugada syndrome 8 (BRGDA8). Identifiers: Orphanet 130, MedGen C2751083, MONDO:0013148, OMIM 613123.

Allele frequency attached by ClinVar (database versions not stated): gnomAD 0.00001.
gnomAD v4.1: 9 of 1,574,276 alleles (0.00057%); highest among the groups gnomAD compares: Admixed American, 0.0037%; no homozygotes.

Submissions (3):

GeneDx
Classification: Uncertain significance. Last evaluated: 2026-03-25. Review status: criteria provided, single submitter. Criteria: GeneDx Variant Classification Process June 2021. Collection method: clinical testing. Allele origin: germline.
Comment: Has not been previously published as pathogenic or benign to our knowledge; Not observed at significant frequency in large population cohorts (gnomAD); In silico analysis suggests that this missense variant does not alter protein structure/function

Labcorp Genetics (formerly Invitae), Labcorp
Classification: Uncertain significance for Brugada syndrome 8. Last evaluated: 2025-04-08. Review status: criteria provided, single submitter. Criteria: Invitae Variant Classification Sherloc (09022015). Collection method: clinical testing. Allele origin: germline.
Comment: This sequence change replaces proline, which is neutral and non-polar, with leucine, which is neutral and non-polar, at codon 1004 of the HCN4 protein (p.Pro1004Leu). This variant is not present in population databases (gnomAD no frequency). This variant has not been reported in the literature in individuals affected with HCN4-related conditions. ClinVar contains an entry for this variant (Variation ID: 1439369). Invitae Evidence Modeling of protein sequence and biophysical properties (such as structural, functional, and spatial information, amino acid conservation, physicochemical variation, residue mobility, and thermodynamic stability) indicates that this missense variant is not expected to disrupt HCN4 protein function with a negative predictive value of 95%. In summary, the available evidence is currently insufficient to determine the role of this variant in disease. Therefore, it has been classified as a Variant of Uncertain Significance.

Ambry Genetics
Classification: Uncertain significance for Cardiovascular phenotype. Last evaluated: 2023-12-17. Review status: criteria provided, single submitter. Criteria: Ambry Variant Classification Scheme 2023. Collection method: clinical testing. Allele origin: germline.

NM_005477.3(HCN4):c.3011C>T (p.Pro1004Leu)

Gene: HCN4 (hyperpolarization activated cyclic nucleotide gated potassium channel 4; minus strand). Cytogenetic location: 15q24.1.
Variant type: single nucleotide variant.
Coding change: c.3011C>T on transcript NM_005477.3 (MANE Select); coding-DNA position 3011, C replaced by T.
Protein change: p.Pro1004Leu; replaces proline 1004 with leucine.
Molecular consequence: missense variant.
Genome position (GRCh38, 1-based): chr15:73,323,082, G>A on the plus strand (C>T on the coding strand, the complement: HCN4 is on the minus strand). VCF-style: chr15-73323082-G-A. GRCh37 (hg19) VCF-style: chr15-73615423-G-A.
Other names: short protein forms P1004L.
Identifiers: ClinVar variation 1439369 (VCV001439369.9), dbSNP rs1486893598, ClinGen allele CA393086455.